The following is an entry in ClinVar:

ClinVar aggregate classification (germline): Uncertain significance. Review status: criteria provided, multiple submitters, no conflicts (2 of 4 stars). 2 submissions from 2 submitters: Uncertain significance (2). Last evaluated 2024-11-07.

Conditions:
Inborn genetic diseases. Identifiers: MedGen C0950123, MeSH D030342.
Bethlem myopathy 1A. Also called: Bethlem myopathy 1; MYOPATHY, BENIGN CONGENITAL, WITH CONTRACTURES; Bethlem Muscular Dystrophy. Identifiers: Orphanet 610, MedGen CN029274, MONDO:0024530, OMIM 158810.

Allele frequency attached by ClinVar (database versions not stated): gnomAD 0.00001; gnomAD exomes 0.00001; TOPMed 0.00001.
gnomAD v4.1: 4 of 1,612,702 alleles (0.00025%); highest among the groups gnomAD compares: Non-Finnish European, 0.00034%; no homozygotes.

Submissions (2):

Ambry Genetics
Classification: Uncertain significance for Inborn genetic diseases. Last evaluated: 2024-11-07. Review status: criteria provided, single submitter. Criteria: Ambry Variant Classification Scheme 2023. Collection method: clinical testing. Allele origin: germline.

Labcorp Genetics (formerly Invitae), Labcorp
Classification: Uncertain significance for Bethlem myopathy 1A. Last evaluated: 2023-03-27. Review status: criteria provided, single submitter. Criteria: Invitae Variant Classification Sherloc (09022015). Collection method: clinical testing. Allele origin: germline.
Comment: This variant is not present in population databases (gnomAD no frequency). This sequence change replaces leucine, which is neutral and non-polar, with arginine, which is basic and polar, at codon 10 of the COL6A2 protein (p.Leu10Arg). This variant has not been reported in the literature in individuals affected with COL6A2-related conditions. Advanced modeling of protein sequence and biophysical properties (such as structural, functional, and spatial information, amino acid conservation, physicochemical variation, residue mobility, and thermodynamic stability) performed at Invitae indicates that this missense variant is not expected to disrupt COL6A2 protein function. In summary, the available evidence is currently insufficient to determine the role of this variant in disease. Therefore, it has been classified as a Variant of Uncertain Significance.

NM_001849.4(COL6A2):c.29T>G (p.Leu10Arg)

Gene: COL6A2 (collagen type VI alpha 2 chain; plus strand). Cytogenetic location: 21q22.3.
Variant type: single nucleotide variant.
Coding change: c.29T>G on transcript NM_001849.4 (MANE Select); coding-DNA position 29, T replaced by G.
Protein change: p.Leu10Arg; replaces leucine 10 with arginine.
Molecular consequence: missense variant.
Genome position (GRCh38, 1-based): chr21:46,111,505, T>G. VCF-style: chr21-46111505-T-G. GRCh37 (hg19) VCF-style: chr21-47531419-T-G.
Other names: c.29T>G, p.Leu10Arg (NM_058174.3, NM_058175.3); short protein forms L10R.
Identifiers: ClinVar variation 2883129 (VCV002883129.3), dbSNP rs1322695807, ClinGen allele CA410519125.
Genomic context (GRCh38, chr21:46,111,505, plus strand): 5'-TGCAGGACTTCAGGGCCACAGGTGCTGCCAAGATGCTCCAGGGCACCTGCTCCGTGCTCC[T>G]GCTCTGGGGAATCCTGGGGGCCATCCAGGCCCAGCAGCAGGAGGTCATCTCGCCGGACAC-3'
Protein context (NP_001840.3, residues 1-20): MLQGTCSVL[Leu10Arg]LWGILGAIQA